The following is an entry in ClinVar:

ClinVar aggregate classification (germline): Uncertain significance (1 of 4 stars; one submission).

Allele frequency attached by ClinVar (database versions not stated): gnomAD 0.00001; TOPMed 0.00001.
gnomAD v4.1: 3 of 1,613,934 alleles (0.00019%); highest among the groups gnomAD compares: Non-Finnish European, 0.00025%; no homozygotes.

Submission:

Labcorp Genetics (formerly Invitae), Labcorp
Classification: Uncertain significance. Last evaluated: 2021-07-22. Review status: criteria provided, single submitter. Criteria: Invitae Variant Classification Sherloc (09022015). Collection method: clinical testing. Allele origin: germline.
Comment: This variant has not been reported in the literature in individuals affected with SMARCD2-related conditions. Algorithms developed to predict the effect of missense changes on protein structure and function are either unavailable or do not agree on the potential impact of this missense change (SIFT: "Deleterious"; PolyPhen-2: "Probably Damaging"; Align-GVGD: "Class C0"). In summary, the available evidence is currently insufficient to determine the role of this variant in disease. Therefore, it has been classified as a Variant of Uncertain Significance. This sequence change replaces asparagine with lysine at codon 448 of the SMARCD2 protein (p.Asn448Lys). The asparagine residue is highly conserved and there is a moderate physicochemical difference between asparagine and lysine. This variant is not present in population databases (ExAC no frequency).

NM_001098426.2(SMARCD2):c.1344C>A (p.Asn448Lys)

Gene: SMARCD2 (SWI/SNF related BAF chromatin remodeling complex subunit D2; minus strand). Cytogenetic location: 17q23.3.
Variant type: single nucleotide variant.
Coding change: c.1344C>A on transcript NM_001098426.2 (MANE Select); coding-DNA position 1344, C replaced by A.
Protein change: p.Asn448Lys; replaces asparagine 448 with lysine.
Molecular consequence: missense variant.
Genome position (GRCh38, 1-based): chr17:63,833,394, G>T on the plus strand (C>A on the coding strand, the complement: SMARCD2 is on the minus strand). VCF-style: chr17-63833394-G-T. GRCh37 (hg19) VCF-style: chr17-61910754-G-T.
Other names: c.1119C>A, p.Asn373Lys (NM_001330439.1); c.1200C>A, p.Asn400Lys (NM_001330440.2); short protein forms N400K, N448K, N373K.
Identifiers: ClinVar variation 1466493 (VCV001466493.8), dbSNP rs755115875, ClinGen allele CA400598412.